The following is an entry in ClinVar:

ClinVar aggregate classification (germline): Uncertain significance. Review status: criteria provided, multiple submitters, no conflicts (2 of 4 stars). 3 submissions from 3 submitters: Uncertain significance (2). 1 of the submissions does not count toward it. Last evaluated 2025-08-28.

Conditions:
Inborn genetic diseases. Identifiers: MedGen C0950123, MeSH D030342.
Severe combined immunodeficiency, autosomal recessive, T cell-negative, B cell-negative, NK cell-positive. Also called: SCID, T CELL-NEGATIVE, B CELL-NEGATIVE, NK CELL-POSITIVE; SCID, AR, T-cell negative, B-cell negative, NK cell-positive; Severe combined immunodeficiency due to complete RAG1/2 deficiency. Identifiers: Orphanet 331206, MedGen C1832322, MONDO:0011086, OMIM 601457.
Combined immunodeficiency with skin granulomas. Identifiers: Orphanet 157949, MedGen C2673536, MONDO:0009306, OMIM 233650.
Histiocytic medullary reticulosis. Also called: SEVERE COMBINED IMMUNODEFICIENCY WITH HYPEREOSINOPHILIA; Omenn syndrome. Identifiers: Orphanet 39041, MedGen C2700553, MONDO:0011338, OMIM 603554.

Allele frequency attached by ClinVar (database versions not stated): ExAC 0.00002; gnomAD exomes 0.00002 and 0.00013; gnomAD 0.00004 and 0.00005; TOPMed 0.00005.
gnomAD v4.1: 190 of 1,614,104 alleles (0.012%); highest among the groups gnomAD compares: Non-Finnish European, 0.016%; no homozygotes.

Submissions (3):

Ambry Genetics
Classification: Uncertain significance for Inborn genetic diseases. Last evaluated: 2025-08-28. Review status: criteria provided, single submitter. Criteria: Ambry Variant Classification Scheme 2023. Collection method: clinical testing. Allele origin: germline.

Labcorp Genetics (formerly Invitae), Labcorp
Classification: Uncertain significance for Combined immunodeficiency with skin granulomas; Severe combined immunodeficiency, autosomal recessive, T cell-negative, B cell-negative, NK cell-positive. Last evaluated: 2022-03-13. Review status: criteria provided, single submitter. Criteria: Invitae Variant Classification Sherloc (09022015). Collection method: clinical testing. Allele origin: germline.
Comment: This sequence change replaces asparagine, which is neutral and polar, with histidine, which is basic and polar, at codon 53 of the RAG2 protein (p.Asn53His). This variant is present in population databases (rs774097244, gnomAD 0.006%). This variant has not been reported in the literature in individuals affected with RAG2-related conditions. ClinVar contains an entry for this variant (Variation ID: 965716). Advanced modeling of protein sequence and biophysical properties (such as structural, functional, and spatial information, amino acid conservation, physicochemical variation, residue mobility, and thermodynamic stability) performed at Invitae indicates that this missense variant is not expected to disrupt RAG2 protein function. In summary, the available evidence is currently insufficient to determine the role of this variant in disease. Therefore, it has been classified as a Variant of Uncertain Significance.

Natera, Inc.
Classification: Uncertain significance for Omenn syndrome. Last evaluated: 2020-07-21. Review status: no assertion criteria provided. Collection method: clinical testing. Allele origin: germline. Not counted in ClinVar's aggregate classification.

NM_000536.4(RAG2):c.157A>C (p.Asn53His)

Gene: RAG2 (recombination activating 2; minus strand). Cytogenetic location: 11p12.
Variant type: single nucleotide variant.
Coding change: c.157A>C on transcript NM_000536.4 (MANE Select); coding-DNA position 157, A replaced by C.
Protein change: p.Asn53His; replaces asparagine 53 with histidine.
Molecular consequence: missense variant.
Genome position (GRCh38, 1-based): chr11:36,594,012, T>G on the plus strand (A>C on the coding strand, the complement: RAG2 is on the minus strand). VCF-style: chr11-36594012-T-G. GRCh37 (hg19) VCF-style: chr11-36615562-T-G.
Other names: c.157A>C, p.Asn53His (NM_001243785.2, NM_001243786.2); short protein forms N53H.
Identifiers: ClinVar variation 965716 (VCV000965716.5), dbSNP rs774097244, ClinGen allele CA5950614.